The following is an entry in ClinVar:

ClinVar aggregate classification (germline): Uncertain significance. Review status: criteria provided, multiple submitters, no conflicts (2 of 4 stars). 2 submissions from 2 submitters: Uncertain significance (2). Last evaluated 2025-08-06.

Allele frequency attached by ClinVar (database versions not stated): TOPMed below 0.00001; gnomAD 0.00001; ExAC 0.00002.
gnomAD v4.1: 8 of 1,614,050 alleles (0.0005%); highest among the groups gnomAD compares: Non-Finnish European, 0.00068%; no homozygotes.

Submissions (2):

Labcorp Genetics (formerly Invitae), Labcorp
Classification: Uncertain significance. Last evaluated: 2025-08-06. Review status: criteria provided, single submitter. Criteria: Invitae Variant Classification Sherloc (09022015). Collection method: clinical testing. Allele origin: germline.
Comment: This sequence change replaces threonine, which is neutral and polar, with isoleucine, which is neutral and non-polar, at codon 1129 of the A2ML1 protein (p.Thr1129Ile). This variant is present in population databases (rs761067802, gnomAD 0.002%). This variant has not been reported in the literature in individuals affected with A2ML1-related conditions. ClinVar contains an entry for this variant (Variation ID: 1927451). An algorithm developed to predict the effect of missense changes on protein structure and function (PolyPhen-2) suggests that this variant is likely to be tolerated. In summary, the available evidence is currently insufficient to determine the role of this variant in disease. Therefore, it has been classified as a Variant of Uncertain Significance.

Ambry Genetics
Classification: Uncertain significance. Last evaluated: 2025-05-09. Review status: criteria provided, single submitter. Criteria: Ambry Variant Classification Scheme 2023. Collection method: clinical testing. Allele origin: germline.

NM_144670.6(A2ML1):c.3386C>T (p.Thr1129Ile)

Gene: A2ML1 (alpha-2-macroglobulin like 1; plus strand). Cytogenetic location: 12p13.31.
Variant type: single nucleotide variant.
Coding change: c.3386C>T on transcript NM_144670.6 (MANE Select); coding-DNA position 3386, C replaced by T.
Protein change: p.Thr1129Ile; replaces threonine 1129 with isoleucine.
Molecular consequence: missense variant.
Genome position (GRCh38, 1-based): chr12:8,861,181, C>T. VCF-style: chr12-8861181-C-T. GRCh37 (hg19) VCF-style: chr12-9013777-C-T.
Other names: c.1913C>T, p.Thr638Ile (NM_001282424.3); c.3386C>T (NM_144670.3); short protein forms T1129I, T638I.
Identifiers: ClinVar variation 1927451 (VCV001927451.8), dbSNP rs761067802, ClinGen allele CA6436370.